The following is an entry in ClinVar:

ClinVar aggregate classification (germline): Likely pathogenic (1 of 4 stars; one submission).

Conditions:
Hereditary cancer-predisposing syndrome. Also called: Neoplastic Syndromes, Hereditary; Tumor predisposition; Hereditary neoplastic syndrome; Hereditary Cancer Syndrome. Identifiers: Orphanet 140162, MedGen C0027672, MeSH D009386, MONDO:0015356.

Submission:

Ambry Genetics
Classification: Likely pathogenic for Hereditary cancer-predisposing syndrome. Last evaluated: 2023-02-09. Review status: criteria provided, single submitter. Criteria: Ambry Variant Classification Scheme 2023. Collection method: clinical testing. Allele origin: germline.
Comment: The c.3992_4001+4del14 variant results from a deletion of 14 nucleotides between positions c.3992 and 4001+4 and involves the canonical splice donor site after coding exon 9 of the MSH6 gene. This variant is considered to be rare based on population cohorts in the Genome Aggregation Database (gnomAD). The canonical splice donor site is well conserved on limited sequence alignment. In silico splice site analysis predicts that this alteration will weaken the native splice donor site; however, direct evidence is insufficient at this time (Ambry internal data). Alterations that disrupt the canonical splice site are expected to cause aberrant splicing, resulting in an abnormal protein or a transcript that is subject to nonsense-mediated mRNA decay. As such, this alteration is classified as likely pathogenic.

NM_000179.3(MSH6):c.3992_4001+4del

Gene: MSH6 (mutS homolog 6; plus strand). Cytogenetic location: 2p16.3.
Variant type: Deletion.
Coding change: c.3992_4001+4del on transcript NM_000179.3 (MANE Select); coding-DNA position 3992 through 4 bases into the intron after coding-DNA position 4001, 14 bases deleted (GATTATTTCGGTAA).
Molecular consequence: splice donor variant. On other transcripts: intron variant (1).
Genome position (GRCh38, 1-based): chr2:47,806,642-47,806,655, GATTATTTCGGTAA deleted. VCF-style (leftmost placement, unchanged base first): chr2-47806641-CGATTATTTCGGTAA-C. GRCh37 (hg19) VCF-style: chr2-48033780-CGATTATTTCGGTAA-C.
Other names: c.3992_4001+4del (NM_001406809.1, NM_001406796.1, NM_001406808.1); c.3086_3095+4del (NM_001406811.1, NM_001406814.1, NM_001281493.2 and 6 more transcripts); c.3695_3704+4del (NM_001406805.1, NM_001406797.1, NM_001406801.1 and 10 more transcripts); c.4088_4097+4del (NM_001406795.1); c.3898-137_3898-124del (NM_001406802.1); c.3998_4007+4del (NM_001406813.1); c.3467_3476+4del (NM_001406807.1, NM_001406799.1, NM_001406806.1); c.*13_*22+4del (NM_001406800.1); and 9 more.
Identifiers: ClinVar variation 3230575 (VCV003230575.1), dbSNP rs2530878802, ClinGen allele CA2825001143.